The following is an entry in ClinVar:

ClinVar aggregate classification (germline): Pathogenic/Likely pathogenic. Review status: criteria provided, multiple submitters, no conflicts (2 of 4 stars). 2 submissions from 2 submitters: Pathogenic (1); Likely pathogenic (1). Last evaluated 2026-06-24.

Conditions:
LZTR1-related schwannomatosis. Also called: Schwannomatosis-2, susceptibility to; Schwannomatosis 2. Identifiers: Orphanet 93921, MedGen C3810283, MONDO:0014299, OMIM 615670.
Hereditary cancer-predisposing syndrome. Also called: Tumor predisposition; Hereditary neoplastic syndrome; Hereditary Cancer Syndrome; Neoplastic Syndromes, Hereditary. Identifiers: Orphanet 140162, MedGen C0027672, MeSH D009386, MONDO:0015356.
Cardiovascular phenotype. Identifiers: MedGen CN230736.

gnomAD v4.1: 1 of 1,614,110 alleles (0.000062%); highest among the groups gnomAD compares: Non-Finnish European, 0.000085%; no homozygotes.

Submissions (2):

Ambry Genetics
Classification: Pathogenic for Cardiovascular phenotype; Hereditary cancer-predisposing syndrome. Last evaluated: 2026-06-24. Review status: criteria provided, single submitter. Criteria: Ambry Variant Classification Scheme 2023. Collection method: clinical testing. Allele origin: germline.
Comment: The p.K70* pathogenic mutation (also known as c.208A>T), located in coding exon 2 of the LZTR1 gene, results from an A to T substitution at nucleotide position 208. This changes the amino acid from a lysine to a stop codon within coding exon 2. This variant is considered to be rare based on population cohorts in the Genome Aggregation Database (gnomAD). This alteration is expected to result in loss of function by premature protein truncation or nonsense-mediated mRNA decay. Loss-of-function variants in LZTR1 are related to an increased risk for schwannomas and autosomal recessive Noonan syndrome; however, such associations with autosomal dominant Noonan syndrome have not been observed (Piotrowski A et al. Nat Genet. 2014 Feb;46:182-7; Yamamoto GL et al. J Med Genet. 2015 Jun;52:413-21; Johnston JJ et al. Genet Med. 2018 10;20:1175-1185). Based on the supporting evidence, this variant is pathogenic for an increased risk of LZTR1-related schwannomatosis (SWN) and would be expected to cause autosomal recessive Noonan syndrome when present along with a second pathogenic or likely pathogenic variant on the other allele; however, the association of this variant with autosomal dominant Noonan syndrome is unlikely.

Department of Pathology and Laboratory Medicine, Sinai Health System
Classification: Likely pathogenic for LZTR1-related schwannomatosis. Last evaluated: 2023-05-23. Review status: criteria provided, single submitter. Criteria: ACMG Guidelines, 2015. Collection method: research. Allele origin: germline.

NM_006767.4(LZTR1):c.208A>T (p.Lys70Ter)

Gene: LZTR1 (leucine zipper like post translational regulator 1; plus strand). Cytogenetic location: 22q11.21.
Variant type: single nucleotide variant.
Coding change: c.208A>T on transcript NM_006767.4 (MANE Select); coding-DNA position 208, A replaced by T.
Protein change: p.Lys70Ter; replaces lysine 70 with a stop codon.
Molecular consequence: nonsense.
Genome position (GRCh38, 1-based): chr22:20,983,034, A>T. VCF-style: chr22-20983034-A-T. GRCh37 (hg19) VCF-style: chr22-21337323-A-T.
Other names: c.208A>T (NM_006767.3); short protein forms K70*.
Identifiers: ClinVar variation 3779823 (VCV003779823.2).